The following is an entry in ClinVar:

ClinVar aggregate classification (germline): Likely benign (1 of 4 stars; one submission).

Submission:

CeGaT Center for Human Genetics Tuebingen
Classification: Likely benign. Last evaluated: 2025-09-01. Review status: criteria provided, single submitter. Criteria: CeGaT Center For Human Genetics Tuebingen Variant Classification Criteria Version 2. Collection method: clinical testing. Allele origin: germline. Affected: yes. Observed: 1 variant allele.
Comment: CTPS1: PM2:Supporting, BP4, BP7

NM_001905.4(CTPS1):c.1521G>A (p.Glu507=)

Gene: CTPS1 (CTP synthase 1; plus strand). Cytogenetic location: 1p34.2.
Variant type: single nucleotide variant.
Coding change: c.1521G>A on transcript NM_001905.4 (MANE Select); coding-DNA position 1521, G replaced by A.
Protein change: p.Glu507=; no amino-acid change (glutamic acid 507 retained).
Molecular consequence: synonymous variant. On other transcripts: non-coding transcript variant (1).
Genome position (GRCh38, 1-based): chr1:41,008,865, G>A. VCF-style: chr1-41008865-G-A. GRCh37 (hg19) VCF-style: chr1-41474537-G-A.
Other names: c.1053G>A, p.Glu351= (NM_001301237.2).
Identifiers: ClinVar variation 4281303 (VCV004281303.7).
Genomic context (GRCh38, chr1:41,008,865, plus strand): 5'-CTGGAAAAAGTGTTTGGAAGAACAAGGCTTGAAGTTTGTTGGCCAAGATGTTGAAGGAGA[G>A]AGAATGGAAATTGTGGAGTTAGAAGGTGATTATTCGGGCAGTTTTATTTAATGGAAAACT-3'
Protein context (NP_001896.2, residues 497-517): LKFVGQDVEG[Glu507=]RMEIVELEDH